The following is an entry in ClinVar:

NM_152564.5(VPS13B):c.9783C>T (p.Ser3261=)

Gene: VPS13B (vacuolar protein sorting 13 homolog B; plus strand). Cytogenetic location: 8q22.2.
Variant type: single nucleotide variant.
Coding change: c.9783C>T on transcript NM_152564.5 (MANE Select); coding-DNA position 9783, C replaced by T.
Protein change: p.Ser3261=; no amino-acid change (serine 3261 retained).
Molecular consequence: synonymous variant.
Genome position (GRCh38, 1-based): chr8:99,835,579, C>T. VCF-style: chr8-99835579-C-T. GRCh37 (hg19) VCF-style: chr8-100847807-C-T.
Other names: c.9858C>T, p.Ser3286= (NM_017890.5); c.9783C>T (NM_152564.4).
Identifiers: ClinVar variation 588583 (VCV000588583.19), dbSNP rs147242148, ClinGen allele CA4824802.
Genomic context (GRCh38, chr8:99,835,579, plus strand): 5'-TGCCTTTTTTAAAATTTCAGATATTCCAAAGTTTGAGGTTTATTGCAAAAAAATTCCCTC[C>T]GAGTGCTCAATTCATCATGAGCTGTATCATCAGATTTCCAGTTATCCGGACTGCAAGACC-3'
Protein context (NP_689777.3, residues 3251-3271): KFEVYCKKIP[Ser3261=]ECSIHHELYH

ClinVar aggregate classification (germline): Likely benign. Review status: criteria provided, multiple submitters, no conflicts (2 of 4 stars). 4 submissions from 4 submitters: Likely benign (3). 1 of the submissions does not count toward it. Last evaluated 2026-01-28.

Conditions:
Cohen syndrome (COH1). Also called: Cutis verticis gyrata, retinitis pigmentosa, and sensorineural deafness; PEPPER SYNDROME. Identifiers: Orphanet 193, MedGen C0265223, MONDO:0008999, OMIM 216550.
VPS13B-related disorder. Also called: VPS13B-related condition.
Inborn genetic diseases. Identifiers: MedGen C0950123, MeSH D030342.

Allele frequency attached by ClinVar (database versions not stated): ExAC 0.00011; ESP Exome Variant Server 0.00023; gnomAD 0.00025; 1000 Genomes Project 30x 0.00031; TOPMed 0.00033; 1000 Genomes Project 0.00040.
gnomAD v4.1: 113 of 1,614,090 alleles (0.007%); highest among the groups gnomAD compares: African/African-American, 0.095%; no homozygotes.

Submissions (4):

Labcorp Genetics (formerly Invitae), Labcorp
Classification: Likely benign for Cohen syndrome. Last evaluated: 2026-01-28. Review status: criteria provided, single submitter. Criteria: Invitae Variant Classification Sherloc (09022015). Collection method: clinical testing. Allele origin: germline.

Blueprint Genetics
Classification: Likely benign. Last evaluated: 2024-07-12. Review status: criteria provided, single submitter. Criteria: ACMG Guidelines, 2015. Collection method: clinical testing. Allele origin: germline.

Ambry Genetics
Classification: Likely benign for Inborn genetic diseases. Last evaluated: 2016-12-23. Review status: criteria provided, single submitter. Criteria: Ambry Variant Classification Scheme 2023. Collection method: clinical testing. Allele origin: germline.

PreventionGenetics, part of Exact Sciences
Classification: Likely benign for VPS13B-related condition. Last evaluated: 2022-04-04. Review status: no assertion criteria provided. Collection method: clinical testing. Allele origin: germline. Not counted in ClinVar's aggregate classification.
Comment: This variant is classified as likely benign based on ACMG/AMP sequence variant interpretation guidelines (Richards et al. 2015 PMID: 25741868, with internal and published modifications).